The following is an entry in ClinVar:

ClinVar aggregate classification (germline): Likely pathogenic (1 of 4 stars; one submission).

Conditions:
Neuronal ceroid lipofuscinosis. Also called: Neuronal Ceroid Lipofuscinoses. Identifiers: Orphanet 216, Orphanet 79263, MedGen C0027877, MONDO:0016295. Disease mechanism: loss of function.

Submission:

Myriad Genetics, Inc.
Classification: Likely pathogenic for Neuronal ceroid lipofuscinosis. Last evaluated: 2022-05-17. Review status: criteria provided, single submitter. Criteria: Myriad Autosomal Dominant, Autosomal Recessive and X-Linked Classification Criteria (2023). Collection method: clinical testing. Allele origin: unknown.
Comment: NM_017882.2(CLN6):c.322delC(L108Cfs*8) is expected to be pathogenic in the context of neuronal ceroid lipofuscinosis, CLN6-related. This variant is predicted to lead to an abnormal or absent protein product due to the creation of a premature termination codon in CLN6, a gene where loss-of-function variants are known to be pathogenic. Please note: this variant was assessed in the context of healthy population screening.

NM_017882.3(CLN6):c.322del (p.Leu108fs)

Gene: CLN6 (CLN6 transmembrane ER protein; minus strand). Cytogenetic location: 15q23.
Variant type: Deletion.
Coding change: c.322del on transcript NM_017882.3 (MANE Select); coding-DNA position 322, one base deleted (C; older notation c.322delC).
Protein change: p.Leu108fs; shifts the reading frame from leucine 108.
Molecular consequence: frameshift variant.
Genome position (GRCh38, 1-based): chr15:68,211,839, G deleted on the plus strand (C on the coding strand, the reverse complement: CLN6 is on the minus strand); the first of 3 consecutive G bases (chr15:68,211,839-68,211,841); deleting any one gives the same sequence. VCF-style (leftmost placement, unchanged base first): chr15-68211838-AG-A. GRCh37 (hg19) VCF-style: chr15-68504176-AG-A.
Other names: c.416delC, p.Leu140Cysfs (NM_001411068.1); short protein forms L108fs.
Identifiers: ClinVar variation 1726067 (VCV001726067.3), dbSNP rs2505409701, ClinGen allele CA2580089904.